The following is an entry in ClinVar:

ClinVar aggregate classification (germline): Pathogenic/Likely pathogenic. Review status: criteria provided, multiple submitters, no conflicts (2 of 4 stars). 3 submissions from 3 submitters: Pathogenic (1); Likely pathogenic (2). Last evaluated 2024-06-13.

Conditions:
Pyruvate kinase hyperactivity. Identifiers: MedGen C1863224, MONDO:0007067, OMIM 102900.
Pyruvate kinase deficiency of red cells (CNSHA2). Also called: PK DEFICIENCY; PYRUVATE KINASE DEFICIENCY OF ERYTHROCYTE; Pyruvate kinase deficiency, Amish type. Identifiers: Orphanet 766, MedGen C0340968, MONDO:0009950, OMIM 266200.

Submissions (3):

Revvity Omics, Revvity
Classification: Pathogenic. Last evaluated: 2024-06-13. Review status: criteria provided, single submitter. Criteria: ACMG Guidelines, 2015. Collection method: clinical testing. Allele origin: germline.

Fulgent Genetics
Classification: Likely pathogenic for Pyruvate kinase hyperactivity; Pyruvate kinase deficiency of red cells. Last evaluated: 2021-09-16. Review status: criteria provided, single submitter. Criteria: ACMG Guidelines, 2015. Collection method: clinical testing. Allele origin: unknown.

Illumina Laboratory Services, Illumina
Classification: Likely pathogenic for Pyruvate kinase deficiency of red cells. Last evaluated: 2017-04-28. Review status: criteria provided, single submitter. Criteria: ICSL Variant Classification Criteria 09 May 2019. Collection method: clinical testing. Allele origin: germline.
Comment: The PKLR c.391_393delATC (p.Ile131del) in-frame deletion variant has been reported in three studies in which it was found in a compound heterozygous state with a second variant in three individuals with pyruvate kinase deficiency (Baronciani et al. 1993; Baronciani et al. 1994; Baronciani et al. 1995). The p.Ile131del variant was also found in a heterozygous state in an unaffected parent of one of the probands. Control data are not reported for this variant, which is not found in the 1000 Genomes Project, the Exome Sequencing Project, or the Exome Aggregation Consortium. PK enzyme activity in red blood cells for individuals carrying the p.Ile131del variant was shown to be from 5.9% to 24.6% of wild type activity (Baronciani et al. 1995). Based on the evidence, the p.Ile131del variant is classified as likely pathogenic for pyruvate kinase deficiency. This variant was observed by ICSL as part of a predisposition screen in an ostensibly healthy population.

Literature cited by the submitters: PubMed 7919353 (cited by Illumina Laboratory Services, Illumina); PubMed 7655861 (cited by Illumina Laboratory Services, Illumina); PubMed 8483951 (cited by Illumina Laboratory Services, Illumina).

NM_000298.6(PKLR):c.391_393del (p.Ile131del)

Gene: PKLR (pyruvate kinase L/R; minus strand). Cytogenetic location: 1q22.
Variant type: Deletion.
Coding change: c.391_393del on transcript NM_000298.6 (MANE Select); coding-DNA positions 391 to 393, 3 bases deleted (ATC; older notation c.391_393delATC).
Protein change: p.Ile131del; deletes isoleucine 131.
Molecular consequence: inframe deletion.
Genome position (GRCh38, 1-based): chr1:155,295,551-155,295,553, GAT deleted on the plus strand (ATC on the coding strand, the reverse complement: PKLR is on the minus strand); deleting any 3 consecutive bases within chr1:155,295,551-155,295,554 gives the same sequence; the c. name uses the placement nearest the transcript's 3' end. VCF-style (leftmost placement, unchanged base first): chr1-155295550-CGAT-C. GRCh37 (hg19) VCF-style: chr1-155265341-CGAT-C.
Other names: c.391_393del, p.Ile131del (LRG_1136t1); c.298_300del, p.Ile100del (NM_181871.4); short protein forms I131del, I100del.
Identifiers: ClinVar variation 292815 (VCV000292815.8), dbSNP rs886045351, ClinGen allele CA10608268.